The following is an entry in ClinVar:

ClinVar aggregate classification (germline): Likely pathogenic. Review status: reviewed by expert panel (3 of 4 stars). 11 submissions from 11 submitters: Likely pathogenic (1). 10 of the submissions do not count toward it. Last evaluated 2023-09-26.

Conditions:
Very long chain acyl-CoA dehydrogenase deficiency (ACADVLD). Also called: VLCAD Deficiency; Very Long-Chain Acyl-Coenzyme A Dehydrogenase Deficiency. Identifiers: Orphanet 26793, MedGen C3887523, MONDO:0008723, OMIM 201475.
ACADVL-related disorder. Also called: ACADVL-related condition.
Rhabdomyolysis. Also called: Rhabdomyolysis (disease). Identifiers: MedGen C0035410, HP:0003201, MONDO:0005290.
Myopathy. Identifiers: MedGen C0026848, MeSH D009135, MONDO:0005336, HP:0003198.

Allele frequency attached by ClinVar (database versions not stated): gnomAD exomes below 0.00001 and 0.00001; ExAC 0.00001; gnomAD 0.00002; TOPMed 0.00002; ESP Exome Variant Server 0.00015.
gnomAD v4.1: 18 of 1,614,004 alleles (0.0011%); highest among the groups gnomAD compares: African/African-American, 0.008%; no homozygotes.

Submissions (11):

ClinGen ACADVL Variant Curation Expert Panel, ClinGen
Classification: Likely pathogenic for Very long chain acyl-CoA dehydrogenase deficiency. Last evaluated: 2023-09-26. Review status: reviewed by expert panel. Criteria: clingen acadvl acmg specifications v1. Collection method: curation. Allele origin: germline. Inheritance: Autosomal recessive inheritance.
Comment: The c.1358G>A variant in ACADVL is a missense variant predicted to cause substitution of arginine by glutamine at amino acid 453 (p.Arg453Gln). This variant has been identified in several individuals with a phenotype highly specific for very long chain acyl-CoA dehydrogenase (VLCAD) deficiency, at least three patients displayed beta oxidation flux of <20% of normal and at least two patients had abnormal newborn screen followed by plasma acylcarnitine analysis consistent with VLCAD deficiency (PP4_Moderate, PMIDs 20060901, 30194637, 33986768). Of those individuals, at least one was presumed compound heterozygous for this variant and a pathogenic ACADVL variant (PMID: 33986768, PM3 0.5 points). At least two individuals were homozygous for the variant (PMID: 30194637, 33986768, PM3 1 point) (PM3). The highest population minor allele frequency in gnomAD v2.1.1 is 0.00008 in the African population, which is lower than the ClinGen ACADVL Variant Curation Expert Panel threshold (<0.001) for PM2_Supporting, meeting this criterion (PM2_Supporting). The computational predictor REVEL gives a score of 0.974, which is above the threshold of 0.75, evidence that correlates with impact to ACADVL function (PP3). In summary, this variant meets the criteria to be classified as likely pathogenic for autosomal recessive very long chain acyl-CoA dehydrogenase (VLCAD) deficiency based on the ACMG/AMP criteria applied, as specified by the ClinGen ACADVL Variant Curation Expert Panel: PM2_Supporting, PM3, PP3, PP4_Moderate (ACADVL VCEP specifications version 1; approved November 9, 2021).

CeGaT Center for Human Genetics Tuebingen
Classification: Pathogenic. Last evaluated: 2026-05-01. Review status: criteria provided, single submitter. Criteria: CeGaT Center For Human Genetics Tuebingen Variant Classification Criteria Version 2. Collection method: clinical testing. Allele origin: germline. Affected: yes. Observed: 2 variant alleles. Not counted in ClinVar's aggregate classification.
Comment: ACADVL: PM3:Very Strong, PM2, PP4

PreventionGenetics, part of Exact Sciences
Classification: Likely pathogenic for ACADVL-related condition. Last evaluated: 2026-03-06. Review status: criteria provided, single submitter. Criteria: ACMG Guidelines, 2015. Collection method: clinical testing. Allele origin: germline. Not counted in ClinVar's aggregate classification.
Comment: The ACADVL c.1358G>A variant is predicted to result in the amino acid substitution p.Arg453Gln. This variant has previously been reported to be associated with very long-chain acyl-CoA dehydrogenase deficiency (VLCADD) (Andresen et al. 1999.PubMed ID: 9973285, described as R413Q; Gobin-Limballe et al. 2010. PubMed ID: 20060901; Fatehi et al. 2020. PubMed ID: 32558070). It was also reported with a second ACADVL variant in a patient with a myopathy (Babić Božović et al. 2021. PubMed ID: 34106991). This variant is reported in 0.0080% of alleles in individuals of African descent in gnomAD. This variant is interpreted as likely pathogenic by the ClinGen ACADVL Variant Curation Expert Panel (Variation ID: 374123). This variant is interpreted as likely pathogenic.

Labcorp Genetics (formerly Invitae), Labcorp
Classification: Pathogenic for Very long chain acyl-CoA dehydrogenase deficiency. Last evaluated: 2026-01-27. Review status: criteria provided, single submitter. Criteria: Invitae Variant Classification Sherloc (09022015). Collection method: clinical testing. Allele origin: germline. Not counted in ClinVar's aggregate classification.
Comment: This sequence change replaces arginine, which is basic and polar, with glutamine, which is neutral and polar, at codon 453 of the ACADVL protein (p.Arg453Gln). This variant is present in population databases (rs138058572, gnomAD 0.008%). This missense change has been observed in individual(s) with very long-chain acyl-CoA dehydrogenase deficiency (PMID: 9973285, 20060901; internal data). ClinVar contains an entry for this variant (Variation ID: 374123). Invitae Evidence Modeling of protein sequence and biophysical properties (such as structural, functional, and spatial information, amino acid conservation, physicochemical variation, residue mobility, and thermodynamic stability) indicates that this missense variant is expected to disrupt ACADVL protein function with a positive predictive value of 80%. For these reasons, this variant has been classified as Pathogenic.

Natera, Inc.
Classification: Pathogenic for Very long chain acyl-CoA dehydrogenase deficiency. Last evaluated: 2025-07-03. Review status: criteria provided, single submitter. Criteria: Natera Variant Classification Schema (03/2026). Collection method: clinical testing. Allele origin: germline. Not counted in ClinVar's aggregate classification.
Comment: The c.1358G>A variant in ACADVL is a missense variant predicted to cause substitution of arginine to glutamine at amino acid 453. This variant is rare in the general population with a frequency below the threshold expected for the associated phenotype(s). This variant has been observed in one or more individuals affected with the associated recessive disease, as either homozygous or compound heterozygous with a second variant (PMID: 33986768, 34106991, 32558070, 30194637). Additionally, this variant has been observed to segregate in affected family members (PMID: 32558070). Computational prediction algorithms indicate this variant is likely to affect gene or protein function. Given the available evidence, this variant is classified as Pathogenic.

Blueprint Genetics
Classification: Pathogenic for ACADVL-related disorders. Last evaluated: 2024-05-22. Review status: criteria provided, single submitter. Criteria: ACMG Guidelines, 2015. Collection method: clinical testing. Allele origin: germline. Affected: yes. Observed: 5 variant alleles. Not counted in ClinVar's aggregate classification.

Baylor Genetics
Classification: Likely pathogenic for Very long chain acyl-CoA dehydrogenase deficiency. Last evaluated: 2024-02-17. Review status: criteria provided, single submitter. Criteria: ACMG Guidelines, 2015. Collection method: clinical testing. Allele origin: unknown. Not counted in ClinVar's aggregate classification.

Genetics and Molecular Pathology, SA Pathology
Classification: Likely pathogenic for Very long chain acyl-CoA dehydrogenase deficiency. Last evaluated: 2020-06-15. Review status: criteria provided, single submitter. Criteria: ACMG Guidelines, 2015. Collection method: clinical testing. Allele origin: germline. Inheritance: Autosomal recessive inheritance. Not counted in ClinVar's aggregate classification.
Comment: PM2, PP3, PS3, PP5

Wong Mito Lab, Molecular and Human Genetics, Baylor College of Medicine
Classification: Pathogenic for Very long chain acyl-CoA dehydrogenase deficiency. Last evaluated: 2019-11-01. Review status: criteria provided, single submitter. Criteria: ACMG Guidelines, 2015. Collection method: clinical testing. Allele origin: germline. Not counted in ClinVar's aggregate classification.
Comment: The NM_000018.3:c.1358G>A (NP_000009.1:p.Arg453Gln) [GRCH38: NC_000017.11:g.7223993G>A] variant in ACADVL gene is interpretated to be Pathogenic based on ACMG guidelines (PMID: 25741868). This variant has been reported in PMID: 9973285. This variant meets the following evidence codes reported in the ACMG guidelines: PS1, PS3

Centre for Mendelian Genomics, University Medical Centre Ljubljana
Classification: Likely pathogenic for Myopathy; Rhabdomyolysis. Last evaluated: 2015-01-23. Review status: criteria provided, single submitter. Criteria: ACMG Guidelines, 2015. Collection method: clinical testing. Allele origin: unknown. Affected: yes. Not counted in ClinVar's aggregate classification.

Neuromuscular Department, Shariati Hospital, Tehran University of Medical Sciences
Classification: Likely pathogenic for Very long chain acyl-CoA dehydrogenase deficiency. Last evaluated: 2019-12-01. Review status: no assertion criteria provided. Collection method: research. Allele origin: germline. Affected: yes. Not counted in ClinVar's aggregate classification.
Comment: The variant was observed in two patients. CK level was 3180 IU/L, AST 344 (IU/L), and ALT 325 (IU/L). The cardiac evaluation and forced vital capacity were normal. Through the course of the disease, CK levels varied between 90 and 9000 IU/L, and higher levels, paralleling clinical worsening. Needle EMG showed spontaneous activities at rest and myopathic pattern during activation.

Literature cited by the submitters: PubMed 9973285 (cited by Labcorp Genetics (formerly Invitae), Labcorp and Wong Mito Lab, Molecular and Human Genetics, Baylor College of Medicine); PubMed 20060901 (cited by Labcorp Genetics (formerly Invitae), Labcorp); PubMed 33986768 (cited by Natera, Inc.); PubMed 34106991 (cited by Natera, Inc.); PubMed 32558070 (cited by Natera, Inc.); PubMed 30194637 (cited by Natera, Inc.).

NM_000018.4(ACADVL):c.1358G>A (p.Arg453Gln)

Gene: ACADVL (acyl-CoA dehydrogenase very long chain; plus strand). Cytogenetic location: 17p13.1.
Variant type: single nucleotide variant.
Coding change: c.1358G>A on transcript NM_000018.4 (MANE Select); coding-DNA position 1358, G replaced by A.
Protein change: p.Arg453Gln; replaces arginine 453 with glutamine.
Molecular consequence: missense variant.
Genome position (GRCh38, 1-based): chr17:7,223,993, G>A. VCF-style: chr17-7223993-G-A. GRCh37 (hg19) VCF-style: chr17-7127312-G-A.
Other names: NM_000018.4(ACADVL):c.1358G>A; p.Arg453Gln; c.1292G>A, p.Arg431Gln (NM_001033859.3); c.1427G>A, p.Arg476Gln (NM_001270447.2); c.1130G>A, p.Arg377Gln (NM_001270448.2); short protein forms R453Q, R476Q, R431Q, R377Q.
Identifiers: ClinVar variation 374123 (VCV000374123.62), dbSNP rs138058572, ClinGen allele CA8338089.